The following is an entry in ClinVar:

NM_002076.4(GNS):c.1291del (p.Ser430_Leu431insTer)

Gene: GNS (glucosamine (N-acetyl)-6-sulfatase; minus strand). Cytogenetic location: 12q14.3.
Variant type: Deletion.
Coding change: c.1291del on transcript NM_002076.4 (MANE Select); coding-DNA position 1291, one base deleted (C; older notation c.1291delC).
Protein change: p.Ser430_Leu431insTer.
Molecular consequence: nonsense.
Genome position (GRCh38, 1-based): chr12:64,723,023, G deleted on the plus strand (C on the coding strand, the reverse complement: GNS is on the minus strand); the first of 3 consecutive G bases (chr12:64,723,023-64,723,025); deleting any one gives the same sequence. VCF-style (leftmost placement, unchanged base first): chr12-64723022-AG-A. GRCh37 (hg19) VCF-style: chr12-65116802-AG-A.
Identifiers: ClinVar variation 3640536 (VCV003640536.2).
Genomic context (GRCh38, chr12:64,723,022, plus strand): 5'-TGTCAGTGAGAAAGCTGTCTAAGTTGATTCAAGCTATTACTCACAGATACGCCAGGACTC[AG>A]GGAAGGGCATGTTGGGTCAGTGACGTTACGGCCTTCTCCTTGGTATTCCACCAGGACATC-3'

ClinVar aggregate classification (germline): Pathogenic (1 of 4 stars; one submission).

Conditions:
Mucopolysaccharidosis, MPS-III-D (MPS3D). Also called: N-ACETYLGLUCOSAMINE-6-SULFATASE DEFICIENCY; SANFILIPPO SYNDROME D; MPS III D; Mucopoly-saccharidosis type 3D; N-acetylglucosamine-6-sulfate sulfatase deficiency; MPS 3D. Identifiers: Orphanet 581, Orphanet 79272, MedGen C0086650, MONDO:0009658, OMIM 252940.

Submission:

Labcorp Genetics (formerly Invitae), Labcorp
Classification: Pathogenic for Mucopolysaccharidosis, MPS-III-D. Last evaluated: 2024-02-13. Review status: criteria provided, single submitter. Criteria: Invitae Variant Classification Sherloc (09022015). Collection method: clinical testing. Allele origin: germline.
Comment: This sequence change creates a premature translational stop signal (p.Leu431*) in the GNS gene. It is expected to result in an absent or disrupted protein product. Loss-of-function variants in GNS are known to be pathogenic (PMID: 20232353). This variant is not present in population databases (gnomAD no frequency). This variant has not been reported in the literature in individuals affected with GNS-related conditions. For these reasons, this variant has been classified as Pathogenic.

Literature cited by the submitters: PubMed 20232353.